The following is an entry in ClinVar:

NM_001267550.2(TTN):c.67556_67559dup (p.Phe22521fs)

Genes: TTN-AS1 (TTN antisense RNA 1; plus strand), TTN (titin; minus strand), LOC126806423 (CDK7 strongly-dependent group 2 enhancer GRCh37_chr2:179443309-179444508; plus strand). Cytogenetic location: 2q31.2.
Variant type: Duplication.
Coding change: c.67556_67559dup on transcript NM_001267550.2 (MANE Select); coding-DNA positions 67556 to 67559, 4 bases duplicated (ATAC; older notation c.67556_67559dupATAC).
Protein change: p.Phe22521fs; shifts the reading frame from phenylalanine 22521.
Molecular consequence: frameshift variant.
Genome position (GRCh38, 1-based): chr2:178,579,638-178,579,641, GTAT duplicated on the plus strand (ATAC on the coding strand, the reverse complement: TTN is on the minus strand). VCF-style (leftmost placement, unchanged base first): chr2-178579637-G-GGTAT. GRCh37 (hg19) VCF-style: chr2-179444364-G-GGTAT.
Other names: c.62633_62636dup, p.Phe20880fs (NM_001256850.1); c.40361_40364dup, p.Phe13456fs (NM_003319.4); c.59852_59855dup, p.Phe19953fs (NM_133378.4); c.40736_40739dup, p.Phe13581fs (NM_133432.3); c.40937_40940dup, p.Phe13648fs (NM_133437.4); short protein forms F13648fs, F13456fs, F19953fs, F20880fs, F13581fs, F22521fs.
Identifiers: ClinVar variation 1473876 (VCV001473876.8), dbSNP rs2154175692, ClinGen allele CA2573134182.

ClinVar aggregate classification (germline): Likely pathogenic (1 of 4 stars; one submission).

Conditions:
Dilated cardiomyopathy 1G (CMD1G). Identifiers: Orphanet 154, MedGen C1858763, MONDO:0011400, OMIM 604145.
Autosomal recessive limb-girdle muscular dystrophy type 2J (LGMDR10). Also called: MUSCULAR DYSTROPHY, LIMB-GIRDLE, AUTOSOMAL RECESSIVE 10; Limb-girdle muscular dystrophy, type 2J. Identifiers: Orphanet 140922, MedGen C1837342, MONDO:0012127, OMIM 608807.

Submission:

Labcorp Genetics (formerly Invitae), Labcorp
Classification: Likely pathogenic for Dilated cardiomyopathy 1G; Autosomal recessive limb-girdle muscular dystrophy type 2J. Last evaluated: 2021-05-03. Review status: criteria provided, single submitter. Criteria: Invitae Variant Classification Sherloc (09022015). Collection method: clinical testing. Allele origin: germline.
Comment: In summary, the currently available evidence indicates that the variant is pathogenic, but additional data are needed to prove that conclusively. Therefore, this variant has been classified as Likely Pathogenic. This variant is located in the A band of TTN (PMID: 25589632). Truncating variants in this region are significantly overrepresented in patients affected with dilated cardiomyopathy (PMID: 25589632). Truncating variants in this region have also been reported in individuals affected with autosomal recessive centronuclear myopathy (PMID: 23975875). This variant has not been reported in the literature in individuals with TTN-related conditions. This variant is not present in population databases (ExAC no frequency). This sequence change creates a premature translational stop signal (p.Phe22521Tyrfs*7) in the TTN gene. While this is not anticipated to result in nonsense mediated decay, it is expected to create a truncated TTN protein.

Literature cited by the submitters: PubMed 25589632; PubMed 23975875.